The following is an entry in ClinVar:

ClinVar aggregate classification (germline): Uncertain significance. Review status: criteria provided, multiple submitters, no conflicts (2 of 4 stars). 2 submissions from 2 submitters: Uncertain significance (2). Last evaluated 2021-10-04.

Conditions:
Progressive sclerosing poliodystrophy (MTDPS4A). Also called: NEURONAL DEGENERATION OF CHILDHOOD WITH LIVER DISEASE, PROGRESSIVE; Mitochondrial DNA Depletion Syndrome 4A; Alpers-Huttenlocher Syndrome (AHS); ALPERS PROGRESSIVE INFANTILE POLIODYSTROPHY; Alpers Syndrome; ALPERS DIFFUSE DEGENERATION OF CEREBRAL GRAY MATTER WITH HEPATIC CIRRHOSIS. Identifiers: Orphanet 726, MedGen C0205710, MONDO:0008758, OMIM 203700.

Allele frequency attached by ClinVar (database versions not stated): gnomAD exomes below 0.00001.
gnomAD v4.1: 2 of 1,614,018 alleles (0.00012%); highest among the groups gnomAD compares: Non-Finnish European, 0.00017%; no homozygotes.

Submissions (2):

Labcorp Genetics (formerly Invitae), Labcorp
Classification: Uncertain significance for Progressive sclerosing poliodystrophy. Last evaluated: 2021-10-04. Review status: criteria provided, single submitter. Criteria: Invitae Variant Classification Sherloc (09022015). Collection method: clinical testing. Allele origin: germline.
Comment: This sequence change replaces lysine with arginine at codon 561 of the POLG protein (p.Lys561Arg). The lysine residue is moderately conserved and there is a small physicochemical difference between lysine and arginine. This variant is not present in population databases (ExAC no frequency). This variant has not been reported in the literature in individuals affected with POLG-related conditions. ClinVar contains an entry for this variant (Variation ID: 805226). Algorithms developed to predict the effect of missense changes on protein structure and function are either unavailable or do not agree on the potential impact of this missense change (SIFT: "Tolerated"; PolyPhen-2: "Possibly Damaging"; Align-GVGD: "Class C0"). In summary, the available evidence is currently insufficient to determine the role of this variant in disease. Therefore, it has been classified as a Variant of Uncertain Significance.

Athena Diagnostics
Classification: Uncertain significance. Last evaluated: 2019-08-07. Review status: criteria provided, single submitter. Criteria: Athena Diagnostics Criteria. Collection method: clinical testing. Allele origin: germline.

NM_002693.3(POLG):c.1682A>G (p.Lys561Arg)

Gene: POLG (DNA polymerase gamma, catalytic subunit; minus strand). Cytogenetic location: 15q26.1.
Variant type: single nucleotide variant.
Coding change: c.1682A>G on transcript NM_002693.3 (MANE Select); coding-DNA position 1682, A replaced by G.
Protein change: p.Lys561Arg; replaces lysine 561 with arginine.
Molecular consequence: missense variant.
Genome position (GRCh38, 1-based): chr15:89,326,642, T>C on the plus strand (A>G on the coding strand, the complement: POLG is on the minus strand). VCF-style: chr15-89326642-T-C. GRCh37 (hg19) VCF-style: chr15-89869873-T-C.
Other names: c.1682A>G, p.Lys561Arg (NM_001126131.2); short protein forms K561R.
Identifiers: ClinVar variation 805226 (VCV000805226.4), dbSNP rs1350960257, ClinGen allele CA393760480.
Genomic context (GRCh38, chr15:89,326,642, plus strand): 5'-GATACACTGCTGGGGGTGGGCAGGGCTCACCCAGGGTGTCCAGGAAGGTGCTGGGGCCGC[T>C]TGGGCAGGAGCTCTGTGGTCCCCTTCAGCTTCTGCAAGCAGGCGCGGGCCATGACATCTT-3'
Protein context (NP_002684.1, residues 551-571): KLKGTTELLP[Lys561Arg]RPQHLPGHPG